The following is an entry in ClinVar:

NM_018417.6(ADCY10):c.2893G>T (p.Asp965Tyr)

Gene: ADCY10 (adenylate cyclase 10; minus strand). Cytogenetic location: 1q24.2.
Variant type: single nucleotide variant.
Coding change: c.2893G>T on transcript NM_018417.6 (MANE Select); coding-DNA position 2893, G replaced by T.
Protein change: p.Asp965Tyr; replaces aspartic acid 965 with tyrosine.
Molecular consequence: missense variant.
Genome position (GRCh38, 1-based): chr1:167,845,677, C>A on the plus strand (G>T on the coding strand, the complement: ADCY10 is on the minus strand). VCF-style: chr1-167845677-C-A. GRCh37 (hg19) VCF-style: chr1-167814915-C-A.
Other names: c.2434G>T, p.Asp812Tyr (NM_001167749.3); c.2617G>T, p.Asp873Tyr (NM_001297772.2); short protein forms D873Y, D965Y, D812Y.
Identifiers: ClinVar variation 2994704 (VCV002994704.3), dbSNP rs1664959647, ClinGen allele CA343080424.

ClinVar aggregate classification (germline): Uncertain significance (1 of 4 stars; one submission).

Allele frequency attached by ClinVar (database versions not stated): TOPMed below 0.00001.

Submission:

Labcorp Genetics (formerly Invitae), Labcorp
Classification: Uncertain significance. Last evaluated: 2025-06-12. Review status: criteria provided, single submitter. Criteria: Invitae Variant Classification Sherloc (09022015). Collection method: clinical testing. Allele origin: germline.
Comment: This sequence change replaces aspartic acid, which is acidic and polar, with tyrosine, which is neutral and polar, at codon 965 of the ADCY10 protein (p.Asp965Tyr). This variant is not present in population databases (gnomAD no frequency). This variant has not been reported in the literature in individuals affected with ADCY10-related conditions. ClinVar contains an entry for this variant (Variation ID: 2994704). An algorithm developed to predict the effect of missense changes on protein structure and function outputs the following: PolyPhen-2: "Benign". The tyrosine amino acid residue is found in multiple mammalian species, which suggests that this missense change does not adversely affect protein function. In summary, the available evidence is currently insufficient to determine the role of this variant in disease. Therefore, it has been classified as a Variant of Uncertain Significance.